The following is an entry in ClinVar:

NM_001130823.3(DNMT1):c.353G>T (p.Arg118Leu)

Gene: DNMT1 (DNA methyltransferase 1; minus strand). Cytogenetic location: 19p13.2.
Variant type: single nucleotide variant.
Coding change: c.353G>T on transcript NM_001130823.3 (MANE Select); coding-DNA position 353, G replaced by T.
Protein change: p.Arg118Leu; replaces arginine 118 with leucine.
Molecular consequence: missense variant. On other transcripts: 5 prime UTR variant (1).
Genome position (GRCh38, 1-based): chr19:10,180,442, C>A on the plus strand (G>T on the coding strand, the complement: DNMT1 is on the minus strand). VCF-style: chr19-10180442-C-A. GRCh37 (hg19) VCF-style: chr19-10291118-C-A.
Other names: c.353G>T, p.Arg118Leu (NM_001318730.2, NM_001379.4); c.-11G>T (NM_001318731.2); short protein forms R118L.
Identifiers: ClinVar variation 1023643 (VCV001023643.8), dbSNP rs149362098, ClinGen allele CA403946320.

ClinVar aggregate classification (germline): Uncertain significance (1 of 4 stars; one submission).

Conditions:
Hereditary sensory neuropathy-deafness-dementia syndrome. Also called: HSN IE; Hereditary sensory neuropathy type IE; NEUROPATHY, HEREDITARY SENSORY, WITH HEARING LOSS AND DEMENTIA; Hereditary Sensory and Autonomic Neuropathy Type 1E (HSAN1E). Identifiers: Orphanet 456318, MedGen C3279885, MONDO:0013584, OMIM 614116.

gnomAD v4.1: 12 of 1,614,164 alleles (0.00074%); highest among the groups gnomAD compares: Non-Finnish European, 0.001%; no homozygotes.

Submission:

Labcorp Genetics (formerly Invitae), Labcorp
Classification: Uncertain significance for Hereditary sensory neuropathy-deafness-dementia syndrome. Last evaluated: 2022-05-07. Review status: criteria provided, single submitter. Criteria: Invitae Variant Classification Sherloc (09022015). Collection method: clinical testing. Allele origin: germline.
Comment: In summary, the available evidence is currently insufficient to determine the role of this variant in disease. Therefore, it has been classified as a Variant of Uncertain Significance. Algorithms developed to predict the effect of missense changes on protein structure and function (SIFT, PolyPhen-2, Align-GVGD) all suggest that this variant is likely to be tolerated. ClinVar contains an entry for this variant (Variation ID: 1023643). This variant has not been reported in the literature in individuals affected with DNMT1-related conditions. This variant is present in population databases (no rsID available, gnomAD 0.0009%). This sequence change replaces arginine, which is basic and polar, with leucine, which is neutral and non-polar, at codon 118 of the DNMT1 protein (p.Arg118Leu).